The following is an entry in ClinVar:

NM_000138.5(FBN1):c.796G>A (p.Val266Ile)

Gene: FBN1 (fibrillin 1; minus strand). Cytogenetic location: 15q21.1.
Variant type: single nucleotide variant.
Coding change: c.796G>A on transcript NM_000138.5 (MANE Select); coding-DNA position 796, G replaced by A.
Protein change: p.Val266Ile; replaces valine 266 with isoleucine.
Molecular consequence: missense variant.
Genome position (GRCh38, 1-based): chr15:48,534,146, C>T on the plus strand (G>A on the coding strand, the complement: FBN1 is on the minus strand). VCF-style: chr15-48534146-C-T. GRCh37 (hg19) VCF-style: chr15-48826343-C-T.
Other names: short protein forms V266I.
Identifiers: ClinVar variation 919909 (VCV000919909.8), dbSNP rs201669595, ClinGen allele CA059396.

ClinVar aggregate classification (germline): Conflicting classifications of pathogenicity. Review status: criteria provided, conflicting classifications (1 of 4 stars). 4 submissions from 4 submitters: Uncertain significance (3); Likely benign (1). Last evaluated 2025-09-05.

Conditions:
Familial thoracic aortic aneurysm and aortic dissection (TAAD). Also called: Thoracic aortic aneurysms and dissections. Identifiers: Orphanet 91387, MedGen C4707243, MONDO:0019625.
Weill-Marchesani syndrome 2, dominant. Also called: FBN1-Related Weill-Marchesani Syndrome; Weill-Marchesani Syndrome, Autosomal Dominant. Identifiers: Orphanet 2084, MedGen C1869115, MONDO:0012013, OMIM 608328.
Progeroid and marfanoid aspect-lipodystrophy syndrome. Also called: MARFANOID-PROGEROID SYNDROME; MARFAN-PROGEROID-LIPODYSTROPHY SYNDROME; Marfan lipodystrophy syndrome; MARFANOID-PROGEROID-LIPODYSTROPHY SYNDROME. Identifiers: Orphanet 300382, MedGen C4310796, MONDO:0014831, OMIM 616914.
Acromicric dysplasia (ACMICD). Also called: Acromicric skeletal dysplasia. Identifiers: Orphanet 969, MedGen C0265287, MONDO:0007055, OMIM 102370.
Ectopia lentis 1, isolated, autosomal dominant (ECTOL1). Identifiers: Orphanet 1885, MedGen C3541518, MONDO:0007514, OMIM 129600.
Geleophysic dysplasia 2 (GPHYSD2). Identifiers: Orphanet 2623, MedGen C3280054, MONDO:0013612, OMIM 614185.
Marfan syndrome (MFS). Also called: Marfan syndrome, classic; Marfan syndrome type 1; Marfan's syndrome; FBN1-Related Marfan Syndrome; MARFAN SYNDROME, TYPE I. Identifiers: Orphanet 284963, Orphanet 558, MedGen C0024796, MONDO:0007947, OMIM 154700.
MASS syndrome (OCTD). Also called: OVERLAP CONNECTIVE TISSUE DISEASE; MASS PHENOTYPE. Identifiers: MedGen C1858556, MONDO:0011431, OMIM 604308.
Stiff skin syndrome (SSKS). Identifiers: Orphanet 2833, MedGen C1861456, MONDO:0008492, OMIM 184900.

Allele frequency attached by ClinVar (database versions not stated): 1000 Genomes Project 30x 0.00031; TOPMed 0.00002; gnomAD 0.00001 and 0.00002; ExAC 0.00002; gnomAD exomes 0.00002; 1000 Genomes Project 0.00020.
gnomAD v4.1: 11 of 1,613,386 alleles (0.00068%); highest among the groups gnomAD compares: East Asian, 0.022%; no homozygotes.

Submissions (4):

Women's Health and Genetics/Laboratory Corporation of America, LabCorp
Classification: Likely benign. Last evaluated: 2025-09-05. Review status: criteria provided, single submitter. Criteria: LabCorp Variant Classification Summary - May 2015. Collection method: clinical testing. Allele origin: germline.
Comment: Variant summary: FBN1 c.796G>A (p.Val266Ile) results in a conservative amino acid change in the encoded protein sequence. Algorithms developed to predict the effect of missense changes on protein structure and function are either unavailable or do not agree on the potential impact of this missense change. The variant allele was found at a frequency of 6.8e-06 in 1613386 control chromosomes, predominantly at a frequency of 0.00022 within the East Asian subpopulation in the gnomAD database. The observed variant frequency within East Asian control individuals in the gnomAD database exceeds the estimated maximal expected allele frequency for disease-causing variants in FBN1. c.796G>A has been observed in individuals affected with Marfan Syndrome and thoracic aortic aneurysm (Yang_2023, Han_2024). These report(s) do not provide unequivocal conclusions about association of the variant with Marfan Syndrome. To our knowledge, no experimental evidence demonstrating an impact on protein function has been reported. The following publications have been ascertained in the context of this evaluation (PMID: 38958168, 36517271). ClinVar contains an entry for this variant (Variation ID: 919909). Based on the evidence outlined above, the variant was classified as likely benign.

Color Diagnostics, LLC DBA Color Health
Classification: Uncertain significance for Familial thoracic aortic aneurysm and aortic dissection. Last evaluated: 2024-04-10. Review status: criteria provided, single submitter. Criteria: ACMG Guidelines, 2015. Collection method: clinical testing. Allele origin: germline.
Comment: This missense variant replaces valine with isoleucine at codon 266 of the FBN1 protein. Computational prediction tools indicate that this variant has a neutral impact on protein structure and function. To our knowledge, functional studies have not been reported for this variant. This variant has not been reported in individuals affected with FBN1-related disorders in the literature. This variant has been identified in 4/251474 chromosomes in the general population by the Genome Aggregation Database (gnomAD). The available evidence is insufficient to determine the role of this variant in disease conclusively. Therefore, this variant is classified as a Variant of Uncertain Significance.

All of Us Research Program, National Institutes of Health
Classification: Uncertain significance for Marfan syndrome. Last evaluated: 2023-10-02. Review status: criteria provided, single submitter. Criteria: ACMG Guidelines, 2015. Collection method: clinical testing. Allele origin: germline. Inheritance: Autosomal dominant inheritance. Observed: 2 variant alleles, 2 heterozygotes.
Comment: This missense variant replaces valine with isoleucine at codon 266 of the FBN1 protein. Computational prediction suggests that this variant may not impact protein structure and function (internally defined REVEL score threshold <= 0.5, PMID: 27666373). To our knowledge, functional studies have not been reported for this variant. This variant has not been reported in individuals affected with cardiovascular disorders in the literature. This variant has not been identified in the general population by the Genome Aggregation Database (gnomAD). The available evidence is insufficient to determine the role of this variant in disease conclusively. Therefore, this variant is classified as a Variant of Uncertain Significance.

This study involves interpretation of variants in research participants for the purpose of population health screening. Participant phenotype was not available at the time of variant classification. Additional details can be found in publication PMID: 35346344, PMCID: PMC8962531

Fulgent Genetics
Classification: Uncertain significance for Acromicric dysplasia; Ectopia lentis 1, isolated, autosomal dominant; Marfan syndrome; Stiff skin syndrome; MASS syndrome; Weill-Marchesani syndrome 2, dominant; Geleophysic dysplasia 2; Progeroid and marfanoid aspect-lipodystrophy syndrome. Last evaluated: 2021-12-21. Review status: criteria provided, single submitter. Criteria: ACMG Guidelines, 2015. Collection method: clinical testing. Allele origin: unknown.

Literature cited by the submitters: PubMed 36517271 (cited by Women's Health and Genetics/Laboratory Corporation of America, LabCorp); PubMed 38958168 (cited by Women's Health and Genetics/Laboratory Corporation of America, LabCorp).